The following is an entry in ClinVar:

ClinVar aggregate classification (germline): Likely pathogenic (1 of 4 stars; one submission).

Conditions:
Autosomal recessive nonsyndromic hearing loss 84A. Also called: DEAFNESS, AUTOSOMAL RECESSIVE 84A; DEAFNESS, AUTOSOMAL RECESSIVE 84A, WITH VESTIBULAR DYSFUNCTION. Identifiers: Orphanet 90636, MedGen C3150654, MONDO:0013249, OMIM 613391.
Hearing loss, autosomal dominant 73. Also called: DEAFNESS, AUTOSOMAL DOMINANT 73. Identifiers: MedGen C4540024, MONDO:0033260, OMIM 617663.

Submission:

Juno Genomics, Hangzhou Juno Genomics, Inc
Classification: Likely pathogenic for Hearing loss, autosomal dominant 73; Autosomal recessive nonsyndromic hearing loss 84A. Review status: criteria provided, single submitter. Criteria: ACMG Guidelines, 2015. Collection method: clinical testing. Allele origin: germline.
Comment: Null variant in a gene where loss of function (LOF) is a known mechanism of disease.;Absent from controls (or at extremely low frequency if recessive) in Genome Aggregation Database.

NM_001145026.2(PTPRQ):c.977G>A (p.Trp326Ter)

Gene: PTPRQ (protein tyrosine phosphatase receptor type Q; plus strand). Cytogenetic location: 12q21.31.
Variant type: single nucleotide variant.
Coding change: c.977G>A on transcript NM_001145026.2 (MANE Select); coding-DNA position 977, G replaced by A.
Protein change: p.Trp326Ter; replaces tryptophan 326 with a stop codon.
Molecular consequence: nonsense.
Genome position (GRCh38, 1-based): chr12:80,468,776, G>A. VCF-style: chr12-80468776-G-A. GRCh37 (hg19) VCF-style: chr12-80862555-G-A.
Other names: short protein forms W326*.
Identifiers: ClinVar variation 5005180 (VCV005005180.2).
Genomic context (GRCh38, chr12:80,468,776, plus strand): 5'-AAGGACCACCACAAAACTGCGTAACAGGCAACATCACAGGAAAGTCCTTTTCAATTTTAT[G>A]GGACCCACCAACTATAGTAACAGGGAAATTTAGTTATAGAGTTGAATTATATGGACCATC-3'